The following is an entry in ClinVar:

NM_000264.5(PTCH1):c.2601_2602dup (p.Ile868fs)

Gene: PTCH1 (patched 1; minus strand). Cytogenetic location: 9q22.32.
Variant type: Duplication.
Coding change: c.2601_2602dup on transcript NM_000264.5 (MANE Select); coding-DNA positions 2601 to 2602, 2 bases duplicated (AA; older notation c.2601_2602dupAA).
Protein change: p.Ile868fs; shifts the reading frame from isoleucine 868.
Molecular consequence: frameshift variant. On other transcripts: non-coding transcript variant (1).
Genome position (GRCh38, 1-based): chr9:95,461,957-95,461,958, TT duplicated on the plus strand (AA on the coding strand, the reverse complement: PTCH1 is on the minus strand); duplicating any 2 consecutive bases within chr9:95,461,957-95,461,960 gives the same sequence; the c. name uses the placement nearest the transcript's 3' end. VCF-style (leftmost placement, unchanged base first): chr9-95461956-A-ATT. GRCh37 (hg19) VCF-style: chr9-98224238-A-ATT.
Other names: c.2403_2404dup, p.Ile802fs (NM_001083602.3); c.2598_2599dup, p.Ile867fs (NM_001083603.3); c.2148_2149dup, p.Ile717fs (NM_001083604.3, NM_001083605.3, NM_001083606.3 and 1 more transcripts); c.2445_2446dup, p.Ile816fs (NM_001354918.2); c.2601_2602dupAA (NM_000264.5); short protein forms I717fs, I802fs, I816fs, I867fs, I868fs.
Identifiers: ClinVar variation 4532283 (VCV004532283.1).

ClinVar aggregate classification (germline): Likely pathogenic (1 of 4 stars; one submission).

Conditions:
Basal cell nevus syndrome 1 (BCNS1). Also called: GORLIN-GOLTZ SYNDROME; MULTIPLE BASAL CELL NEVI, ODONTOGENIC KERATOCYSTS, AND SKELETAL ANOMALIES. Identifiers: MedGen CN376810, MONDO:0958174, OMIM 109400.

Submission:

Department of Pediatric Genetics, University of Health Sciences, Ankara Bilkent City Children’s Hospital
Classification: Likely pathogenic for Basal cell nevus syndrome 1. Last evaluated: 2025-11-20. Review status: criteria provided, single submitter. Criteria: ACMG Guidelines, 2015. Collection method: clinical testing. Allele origin: de novo. Affected: yes.
Comment: The c.2601_2602dupAA variant in the PTCH1 gene (NM_000264.5) is a frameshift located in exon 16 and has not been previously reported in ClinVar. This variant is predicted to result in loss of function due to a truncated or absent protein (PVS1). The allele frequency of this variant is not reported, and it is absent from population databases such as gnomAD (PM2). In summary, this variant meets the criteria to be classified as likely pathogenic for Basal cell nevus syndrome 1 (OMIM #109400), based on the ACMG guidelines (Richards et al., 2015), with supporting evidence from criteria PVS1, PM2.